The following is an entry in ClinVar:

ClinVar aggregate classification (germline): Pathogenic. Review status: criteria provided, single submitter (1 of 4 stars). 2 submissions from 2 submitters: Pathogenic (1). 1 of the submissions does not count toward it. Last evaluated 2013-01-01.

Conditions:
Familial long QT syndrome (RWS). Also called: Congenital long QT syndrome; Romano-Ward syndrome; VENTRICULAR FIBRILLATION WITH PROLONGED QT INTERVAL. Identifiers: Orphanet 768, MedGen C1141890, MONDO:0019171.
Long QT syndrome 2 (LQT2). Identifiers: Orphanet 101016, Orphanet 768, MedGen C3150943, MONDO:0013367, OMIM 613688.

Submissions (2):

Institute of Medical Genetics and Genomics, Sir Ganga Ram Hospital
Classification: Pathogenic for Long QT syndrome, LQT2 subtype. Last evaluated: 2013-01-01. Review status: criteria provided, single submitter. Criteria: Vyas et al. (Am J Med Genet A. 2016). Collection method: research. Allele origin: germline. Affected: yes. Observed: 1 variant allele. Study: Life Threatening Long QT Syndromes.

Cardiovascular Biomedical Research Unit, Royal Brompton & Harefield NHS Foundation Trust
No classification provided. Condition: Familial long QT syndrome. Review status: no classification provided. Collection method: literature only. Allele origin: germline. Not counted in ClinVar's aggregate classification.
Comment: This variant has been reported as associated with Long QT syndrome in the following publications (PMID:10220144;PMID:12566525;PMID:19841300). This is a literature report, and does not necessarily reflect the clinical interpretation of the Imperial College / Royal Brompton Cardiovascular Genetics laboratory.

Literature cited by the submitters: PubMed 10220144 (cited by Cardiovascular Biomedical Research Unit, Royal Brompton & Harefield NHS Foundation Trust); PubMed 12566525 (cited by Cardiovascular Biomedical Research Unit, Royal Brompton & Harefield NHS Foundation Trust); PubMed 19841300 (cited by Cardiovascular Biomedical Research Unit, Royal Brompton & Harefield NHS Foundation Trust); PubMed 22581653 (cited by Cardiovascular Biomedical Research Unit, Royal Brompton & Harefield NHS Foundation Trust).

NM_000238.4(KCNH2):c.1920C>A (p.Phe640Leu)

Gene: KCNH2 (potassium voltage-gated channel subfamily H member 2; minus strand). Cytogenetic location: 7q36.1.
Variant type: single nucleotide variant.
Coding change: c.1920C>A on transcript NM_000238.4 (MANE Select); coding-DNA position 1920, C replaced by A.
Protein change: p.Phe640Leu; replaces phenylalanine 640 with leucine.
Molecular consequence: missense variant.
Genome position (GRCh38, 1-based): chr7:150,951,473, G>T on the plus strand (C>A on the coding strand, the complement: KCNH2 is on the minus strand). VCF-style: chr7-150951473-G-T. GRCh37 (hg19) VCF-style: chr7-150648561-G-T.
Other names: c.1920C>A (LRG_288t1); c.900C>A, p.Phe300Leu (NM_001204798.2, NM_172057.3); c.1632C>A, p.Phe544Leu (NM_001406753.1, NM_001406756.1); c.1743C>A, p.Phe581Leu (NM_001406755.1); c.1620C>A, p.Phe540Leu (NM_001406757.1); c.1920C>A, p.Phe640Leu (NM_172056.3); short protein forms F300L, F640L, F544L, F540L, F581L.
Identifiers: ClinVar variation 67336 (VCV000067336.6), dbSNP rs199472970, ClinGen allele CA006030.